The following is an entry in ClinVar:

ClinVar aggregate classification (germline): Conflicting classifications of pathogenicity. Review status: criteria provided, conflicting classifications (1 of 4 stars). 13 submissions from 13 submitters: Uncertain significance (5); Likely benign (7). 1 of the submissions does not count toward it. Last evaluated 2026-05-04.

Conditions:
BMPR1A-related disorder. Also called: BMPR1A-related condition.
Juvenile polyposis syndrome (JPS). Identifiers: Orphanet 2929, MedGen C0345893, MONDO:0017380, OMIM 174900.
Hereditary cancer-predisposing syndrome. Also called: Neoplastic Syndromes, Hereditary; Tumor predisposition; Hereditary Cancer Syndrome; Hereditary neoplastic syndrome. Identifiers: Orphanet 140162, MedGen C0027672, MeSH D009386, MONDO:0015356.
Malignant tumor of breast. Also called: Malignant breast neoplasm; Cancer breast. Identifiers: MedGen C0006142, MONDO:0007254. Disease mechanism: loss of function.

Allele frequency attached by ClinVar (database versions not stated): gnomAD exomes 0.00001 and 0.00003; ExAC 0.00006; ESP Exome Variant Server 0.00008; TOPMed 0.00010; gnomAD 0.00011 and 0.00013; 1000 Genomes Project 30x 0.00062; 1000 Genomes Project 0.00080.
gnomAD v4.1: 42 of 1,613,542 alleles (0.0026%); highest among the groups gnomAD compares: African/African-American, 0.053%; no homozygotes.

Submissions (13):

Women's Health and Genetics/Laboratory Corporation of America, LabCorp
Classification: Likely benign. Last evaluated: 2026-05-04. Review status: criteria provided, single submitter. Criteria: LabCorp Variant Classification Summary - May 2015. Collection method: clinical testing. Allele origin: germline.
Comment: Variant summary: BMPR1A c.98C>G (p.Thr33Ser) results in a conservative amino acid change in the encoded protein sequence. Algorithms developed to predict the effect of missense changes on protein structure and function are either unavailable or do not agree on the potential impact of this missense change. The variant allele was found at a frequency of 2.6e-05 in 1613542 control chromosomes, predominantly at a frequency of 0.00053 within the African or African-American subpopulation in the gnomAD database. The observed variant frequency within African or African-American control individuals in the gnomAD database exceeds the estimated maximal expected allele frequency for disease-causing variants in BMPR1A. To our knowledge, no occurrence of c.98C>G in individuals affected with BMPR1A-related conditions and no experimental evidence demonstrating its impact on protein function have been reported. ClinVar contains an entry for this variant (Variation ID: 411623). Based on the evidence outlined above, the variant was classified as likely benign.

PreventionGenetics, part of Exact Sciences
Classification: Likely benign for BMPR1A-related condition. Last evaluated: 2026-01-21. Review status: criteria provided, single submitter. Criteria: ACMG Guidelines, 2015. Collection method: clinical testing. Allele origin: germline.
Comment: This variant is classified as likely benign based on ACMG/AMP sequence variant interpretation guidelines (Richards et al. 2015 PMID: 25741868, with internal and published modifications).

Labcorp Genetics (formerly Invitae), Labcorp
Classification: Likely benign for Juvenile polyposis syndrome. Last evaluated: 2026-01-07. Review status: criteria provided, single submitter. Criteria: Invitae Variant Classification Sherloc (09022015). Collection method: clinical testing. Allele origin: germline.

Center for Genomic Medicine, Rigshospitalet, Copenhagen University Hospital
Classification: Uncertain significance. Last evaluated: 2025-12-29. Review status: criteria provided, single submitter. Criteria: ACMG Guidelines, 2015. Collection method: clinical testing. Allele origin: germline.

Quest Diagnostics Nichols Institute San Juan Capistrano
Classification: Likely benign. Last evaluated: 2025-07-30. Review status: criteria provided, single submitter. Criteria: Quest Diagnostics criteria. Collection method: clinical testing. Allele origin: unknown.

GeneDx
Classification: Uncertain significance. Last evaluated: 2025-04-13. Review status: criteria provided, single submitter. Criteria: GeneDx Variant Classification Process June 2021. Collection method: clinical testing. Allele origin: germline. Affected: yes.
Comment: In silico analysis indicates that this missense variant does not alter protein structure/function; Observed in individuals with breast cancer or neuroblastoma (PMID: 25186627, 26580448); This variant is associated with the following publications: (PMID: 26580448, 25186627)

Myriad Genetics, Inc.
Classification: Likely benign for Juvenile polyposis syndrome. Last evaluated: 2025-01-23. Review status: criteria provided, single submitter. Criteria: Myriad Autosomal Dominant, Autosomal Recessive and X-Linked Classification Criteria (2023). Collection method: clinical testing. Allele origin: unknown.
Comment: This variant is considered likely benign. This variant has been observed at a population frequency that is significantly greater than expected given the associated disease prevalence and penetrance.

Mayo Clinic Laboratories, Mayo Clinic
Classification: Uncertain significance. Last evaluated: 2023-12-12. Review status: criteria provided, single submitter. Criteria: ACMG Guidelines, 2015. Collection method: clinical testing. Allele origin: germline. Observed: 1 variant allele.
Comment: BS1

Revvity Omics, Revvity
Classification: Uncertain significance. Last evaluated: 2023-06-12. Review status: criteria provided, single submitter. Criteria: ACMG Guidelines, 2015. Collection method: clinical testing. Allele origin: germline.

Color Diagnostics, LLC DBA Color Health
Classification: Likely benign for Hereditary cancer-predisposing syndrome. Last evaluated: 2023-05-08. Review status: criteria provided, single submitter. Criteria: ACMG Guidelines, 2015. Collection method: clinical testing. Allele origin: germline.

Sema4
Classification: Uncertain significance for Hereditary cancer-predisposing syndrome. Last evaluated: 2021-10-21. Review status: criteria provided, single submitter. Criteria: Sema4 Curation Guidelines. Collection method: curation. Allele origin: germline.
Comment: The BMPR1A c.98C>G (p.T33S) variant has been reported in individuals with breast cancer and neuroblastoma (PMID: 26580448, 25186627). It was observed in 15/24970 chromosomes of the African/African American subpopulation in the large and broad cohorts of the Genome Aggregation Database (PMID: 32461654). The variant has been reported in ClinVar (Variation ID 411623). Functional studies have not been performed, and in silico predictions of the variant's effect on protein function are inconclusive. The evidence is insufficient to meet ACMG/AMP criteria for classifying the variant as benign or pathogenic. Thus, the clinical significance of this variant is currently uncertain.

Ambry Genetics
Classification: Likely benign for Hereditary cancer-predisposing syndrome. Last evaluated: 2018-11-26. Review status: criteria provided, single submitter. Criteria: Ambry Variant Classification Scheme 2023. Collection method: clinical testing. Allele origin: germline.

Department of Pathology and Laboratory Medicine, Sinai Health System
Classification: Uncertain significance for Malignant tumor of breast. Review status: no assertion criteria provided. Collection method: clinical testing. Allele origin: unknown. Affected: yes. Study: The Canadian Open Genetics Repository (COGR). Not counted in ClinVar's aggregate classification.
Comment: The BMPR1A p.Thr33Ser variant was not identified in the literature nor was it identified in the LOVD 3.0 database. The variant was identified in dbSNP (rs142454490) as â€šÃ„Ãºwith other alleleâ€šÃ„Ã¹ and ClinVar (classified as uncertain significance by Invitae and Color and likely benign by Ambry Genetics). The variant was identified in control databases in 16 of 277,094 chromosomes at a frequency of 0.00006 (Genome Aggregation Database Feb 27, 2017). The variant was observed in the following populations: African in 15 of 24,036 chromosomes (freq: 0.0006), Other in 1 of 6462 chromosomes (freq: 0.0002), but not in the Latino, Ashkenazi Jewish, East Asian, Finnish and South Asian populations. The p.Thr33Ser residue is not conserved in mammals and four out of five computational analyses (PolyPhen-2, SIFT, AlignGVGD, BLOSUM, MutationTaster) do not suggest a high likelihood of impact to the protein; however, this information is not predictive enough to rule out pathogenicity. The variant occurs outside of the splicing consensus sequence and 2 of 4 in silico or computational prediction software programs (SpliceSiteFinder, MaxEntScan, NNSPLICE, GeneSplicer) predict a greater than 10% difference in splicing; this is not very predictive of pathogenicity. In summary, based on the above information the clinical significance of this variant cannot be determined with certainty at this time. This variant is classified as a variant of uncertain significance.

Literature cited by the submitters: PubMed 25186627 (cited by 3 submitters); PubMed 26580448 (cited by 3 submitters); PubMed 32885271 (cited by Quest Diagnostics Nichols Institute San Juan Capistrano).

NM_004329.3(BMPR1A):c.98C>G (p.Thr33Ser)

Gene: BMPR1A (bone morphogenetic protein receptor type 1A; plus strand). Cytogenetic location: 10q23.2.
Variant type: single nucleotide variant.
Coding change: c.98C>G on transcript NM_004329.3 (MANE Select); coding-DNA position 98, C replaced by G.
Protein change: p.Thr33Ser; replaces threonine 33 with serine.
Molecular consequence: missense variant.
Genome position (GRCh38, 1-based): chr10:86,890,092, C>G. VCF-style: chr10-86890092-C-G. GRCh37 (hg19) VCF-style: chr10-88649849-C-G.
Other names: p.Thr33Ser; short protein forms T33S.
Identifiers: ClinVar variation 411623 (VCV000411623.44), dbSNP rs142454490, ClinGen allele CA5585433.